The following is an entry in ClinVar:

ClinVar aggregate classification (germline): Uncertain significance. Review status: criteria provided, multiple submitters, no conflicts (2 of 4 stars). 2 submissions from 2 submitters: Uncertain significance (2). Last evaluated 2025-01-16.

Conditions:
Inborn genetic diseases. Identifiers: MedGen C0950123, MeSH D030342.
Charcot-Marie-Tooth disease type 2. Also called: Charcot-Marie-Tooth type 2. Identifiers: Orphanet 64746, MedGen C0270914, MONDO:0018993.

Allele frequency attached by ClinVar (database versions not stated): TOPMed 0.00008; gnomAD 0.00005; ESP Exome Variant Server 0.00015; ExAC 0.00001.
gnomAD v4.1: 7 of 1,613,164 alleles (0.00043%); highest among the groups gnomAD compares: African/African-American, 0.0093%; no homozygotes.

Submissions (2):

Ambry Genetics
Classification: Uncertain significance for Inborn genetic diseases. Last evaluated: 2025-01-16. Review status: criteria provided, single submitter. Criteria: Ambry Variant Classification Scheme 2023. Collection method: clinical testing. Allele origin: germline.

Labcorp Genetics (formerly Invitae), Labcorp
Classification: Uncertain significance for Charcot-Marie-Tooth disease type 2. Last evaluated: 2023-06-02. Review status: criteria provided, single submitter. Criteria: Invitae Variant Classification Sherloc (09022015). Collection method: clinical testing. Allele origin: germline.
Comment: Advanced modeling of protein sequence and biophysical properties (such as structural, functional, and spatial information, amino acid conservation, physicochemical variation, residue mobility, and thermodynamic stability) performed at Invitae indicates that this missense variant is not expected to disrupt MFN2 protein function. In summary, the available evidence is currently insufficient to determine the role of this variant in disease. Therefore, it has been classified as a Variant of Uncertain Significance. ClinVar contains an entry for this variant (Variation ID: 568650). This variant has not been reported in the literature in individuals affected with MFN2-related conditions. This variant is present in population databases (rs142110794, gnomAD 0.007%). This sequence change replaces threonine, which is neutral and polar, with serine, which is neutral and polar, at codon 487 of the MFN2 protein (p.Thr487Ser).

NM_014874.4(MFN2):c.1460C>G (p.Thr487Ser)

Gene: MFN2 (mitofusin 2; plus strand). Cytogenetic location: 1p36.22.
Variant type: single nucleotide variant.
Coding change: c.1460C>G on transcript NM_014874.4 (MANE Select); coding-DNA position 1460, C replaced by G.
Protein change: p.Thr487Ser; replaces threonine 487 with serine.
Molecular consequence: missense variant.
Genome position (GRCh38, 1-based): chr1:12,004,892, C>G. VCF-style: chr1-12004892-C-G. GRCh37 (hg19) VCF-style: chr1-12064949-C-G.
Other names: c.1460C>G, p.Thr487Ser (NM_001127660.2); short protein forms T487S.
Identifiers: ClinVar variation 568650 (VCV000568650.9), dbSNP rs142110794, ClinGen allele CA599125.